The following is an entry in ClinVar:

NM_130837.3(OPA1):c.2012+1G>T

Gene: OPA1 (OPA1 mitochondrial dynamin like GTPase; plus strand). Cytogenetic location: 3q29.
Variant type: single nucleotide variant.
Coding change: c.2012+1G>T on transcript NM_130837.3 (MANE Select); the canonical splice donor site of the intron after coding-DNA position 2012, G replaced by T.
Molecular consequence: splice donor variant.
Genome position (GRCh38, 1-based): chr3:193,648,872, G>T. VCF-style: chr3-193648872-G-T. GRCh37 (hg19) VCF-style: chr3-193366661-G-T.
Other names: c.1475+1G>T (NM_001354664.2); c.1478+1G>T (NM_001354663.2); c.1901+1G>T (NM_130834.3); c.1958+1G>T (NM_130836.3); c.1847+1G>T (NM_015560.3); c.1904+1G>T (NM_130835.3); c.1793+1G>T (NM_130832.3); c.1850+1G>T (NM_130833.3); and 1 more.
Identifiers: ClinVar variation 431940 (VCV000431940.12), dbSNP rs863224134, ClinGen allele CA355790949.

ClinVar aggregate classification (germline): Pathogenic/Likely pathogenic. Review status: criteria provided, multiple submitters, no conflicts (2 of 4 stars). 5 submissions from 5 submitters: Pathogenic (4); Likely pathogenic (1). Last evaluated 2025-04-14.

Conditions:
OPA1-related disorder. Also called: OPA1-related disorders; OPA1-related condition.
Autosomal dominant optic atrophy classic form (OPA1). Also called: OPTIC ATROPHY, JUVENILE; KJER-TYPE OPTIC ATROPHY; Optic Atrophy Type 1. Identifiers: Orphanet 98673, MedGen C0338508, MONDO:0008134, OMIM 165500.

Submissions (5):

Dasa
Classification: Pathogenic. Last evaluated: 2025-04-14. Review status: criteria provided, single submitter. Criteria: DASA Assertion Criteria. Collection method: clinical testing. Allele origin: germline.
Comment: NM_130837.3(OPA1):c.2012+1G>T introduces a premature termination codon predicted to result in loss of normal protein function. Loss-of-function is an established mechanism of disease for this gene. The variant is present at low frequency in population datasets. Based on the available data, this variant is classified as pathogenic.

Labcorp Genetics (formerly Invitae), Labcorp
Classification: Pathogenic. Last evaluated: 2024-03-04. Review status: criteria provided, single submitter. Criteria: Invitae Variant Classification Sherloc (09022015). Collection method: clinical testing. Allele origin: germline.
Comment: This sequence change affects a donor splice site in intron 19 of the OPA1 gene. It is expected to disrupt RNA splicing. Variants that disrupt the donor or acceptor splice site typically lead to a loss of protein function (PMID: 16199547), and loss-of-function variants in OPA1 are known to be pathogenic (PMID: 11440988, 20157015, 20952381, 25012220). This variant is not present in population databases (gnomAD no frequency). Disruption of this splice site has been observed in individual(s) with clinical features of dominant optical atrophy (PMID: 19319978, 30831606). It has also been observed to segregate with disease in related individuals. ClinVar contains an entry for this variant (Variation ID: 431940). Algorithms developed to predict the effect of sequence changes on RNA splicing suggest that this variant may disrupt the consensus splice site. For these reasons, this variant has been classified as Pathogenic.

GeneDx
Classification: Pathogenic. Last evaluated: 2021-07-16. Review status: criteria provided, single submitter. Criteria: GeneDx Variant Classification Process June 2021. Collection method: clinical testing. Allele origin: germline. Affected: yes.
Comment: Canonical splice site variant predicted to result in a null allele in a gene for which loss-of-function is a known mechanism of disease; Not observed at significant frequency in large population cohorts (Lek et al., 2016); This variant is associated with the following publications: (PMID: 19319978, 32483926, 30831606, 25525159)

Blueprint Genetics
Classification: Likely pathogenic for OPA1-related disorders. Last evaluated: 2020-08-17. Review status: criteria provided, single submitter. Criteria: ACMG Guidelines, 2015. Collection method: clinical testing. Allele origin: germline. Affected: yes. Observed: 2 variant alleles.

Clinical Genetics Service, Universitary Hospital 12 de Octubre
Classification: Pathogenic for Autosomal dominant optic atrophy classic form. Review status: criteria provided, single submitter. Criteria: ACMG Guidelines, 2015. Collection method: clinical testing. Allele origin: germline. Affected: yes.

Literature cited by the submitters: PubMed 16199547 (cited by Labcorp Genetics (formerly Invitae), Labcorp); PubMed 11440988 (cited by Labcorp Genetics (formerly Invitae), Labcorp); PubMed 20157015 (cited by Labcorp Genetics (formerly Invitae), Labcorp); PubMed 20952381 (cited by Labcorp Genetics (formerly Invitae), Labcorp); PubMed 25012220 (cited by Labcorp Genetics (formerly Invitae), Labcorp); PubMed 19319978 (cited by Labcorp Genetics (formerly Invitae), Labcorp); PubMed 30831606 (cited by Labcorp Genetics (formerly Invitae), Labcorp).